The following is an entry in ClinVar:

NM_003718.5(CDK13):c.1805T>C (p.Leu602Ser)

Gene: CDK13 (cyclin dependent kinase 13; plus strand). Cytogenetic location: 7p14.1.
Variant type: single nucleotide variant.
Coding change: c.1805T>C on transcript NM_003718.5 (MANE Select); coding-DNA position 1805, T replaced by C.
Protein change: p.Leu602Ser; replaces leucine 602 with serine.
Molecular consequence: missense variant.
Genome position (GRCh38, 1-based): chr7:39,988,192, T>C. VCF-style: chr7-39988192-T-C. GRCh37 (hg19) VCF-style: chr7-40027791-T-C.
Other names: c.1805T>C, p.Leu602Ser (NM_031267.4); short protein forms L602S.
Identifiers: ClinVar variation 3776430 (VCV003776430.1).

ClinVar aggregate classification (germline): Uncertain significance (1 of 4 stars; one submission).

gnomAD v4.1: 1 of 1,614,168 alleles (0.000062%); highest among the groups gnomAD compares: South Asian, 0.0011%; no homozygotes.

Submission:

GeneDx
Classification: Uncertain significance. Last evaluated: 2024-10-01. Review status: criteria provided, single submitter. Criteria: GeneDx Variant Classification Process June 2021. Collection method: clinical testing. Allele origin: germline. Affected: yes.
Comment: Not observed at significant frequency in large population cohorts (gnomAD); In silico analysis indicates that this missense variant does not alter protein structure/function; Has not been previously published as pathogenic or benign to our knowledge